The following is an entry in ClinVar:

ClinVar aggregate classification (germline): Uncertain significance. Review status: criteria provided, multiple submitters, no conflicts (2 of 4 stars). 2 submissions from 2 submitters: Uncertain significance (2). Last evaluated 2025-12-29.

Conditions:
Hereditary cancer-predisposing syndrome. Also called: Hereditary neoplastic syndrome; Tumor predisposition; Neoplastic Syndromes, Hereditary; Hereditary Cancer Syndrome. Identifiers: Orphanet 140162, MedGen C0027672, MeSH D009386, MONDO:0015356.

Allele frequency attached by ClinVar (database versions not stated): gnomAD exomes below 0.00001 and 0.00001; TOPMed below 0.00001.
gnomAD v4.1: 3 of 1,614,014 alleles (0.00019%); highest among the groups gnomAD compares: South Asian, 0.0033%; no homozygotes.

Submissions (2):

Ambry Genetics
Classification: Uncertain significance for Hereditary cancer-predisposing syndrome. Last evaluated: 2025-12-29. Review status: criteria provided, single submitter. Criteria: Ambry Variant Classification Scheme 2023. Collection method: clinical testing. Allele origin: germline.
Comment: The p.C166R variant (also known as c.496T>C), located in coding exon 3 of the MSH3 gene, results from a T to C substitution at nucleotide position 496. The cysteine at codon 166 is replaced by arginine, an amino acid with highly dissimilar properties. This amino acid position is conserved. In addition, the in silico prediction for this alteration is inconclusive. Based on the available evidence, the clinical significance of this variant remains unclear.

Labcorp Genetics (formerly Invitae), Labcorp
Classification: Uncertain significance. Last evaluated: 2024-08-07. Review status: criteria provided, single submitter. Criteria: Invitae Variant Classification Sherloc (09022015). Collection method: clinical testing. Allele origin: germline.
Comment: This sequence change replaces cysteine, which is neutral and slightly polar, with arginine, which is basic and polar, at codon 166 of the MSH3 protein (p.Cys166Arg). This variant is present in population databases (no rsID available, gnomAD 0.003%). This variant has not been reported in the literature in individuals affected with MSH3-related conditions. ClinVar contains an entry for this variant (Variation ID: 1398283). An algorithm developed to predict the effect of missense changes on protein structure and function (PolyPhen-2) suggests that this variant is likely to be disruptive. In summary, the available evidence is currently insufficient to determine the role of this variant in disease. Therefore, it has been classified as a Variant of Uncertain Significance.

NM_002439.5(MSH3):c.496T>C (p.Cys166Arg)

Gene: MSH3 (mutS homolog 3; plus strand). Cytogenetic location: 5q14.1.
Variant type: single nucleotide variant.
Coding change: c.496T>C on transcript NM_002439.5 (MANE Select); coding-DNA position 496, T replaced by C.
Protein change: p.Cys166Arg; replaces cysteine 166 with arginine.
Molecular consequence: missense variant.
Genome position (GRCh38, 1-based): chr5:80,665,280, T>C. VCF-style: chr5-80665280-T-C. GRCh37 (hg19) VCF-style: chr5-79961099-T-C.
Other names: c.496T>C (NM_002439.3); short protein forms C166R.
Identifiers: ClinVar variation 1398283 (VCV001398283.10), dbSNP rs1221411800, ClinGen allele CA360263919.
Genomic context (GRCh38, chr5:80,665,280, plus strand): 5'-CTTCCTCAAAGTAGAGTCCAGACAGAATCTCTGCAGGAGAGATTTGCAGTTCTGCCAAAA[T>C]GTACTGATTTTGATGATATCAGTCTTCTACACGCAAAGAATGCAGTTTCTTCTGAAGATT-3'
Protein context (NP_002430.3, residues 156-176): LQERFAVLPK[Cys166Arg]TDFDDISLLH